The following is an entry in ClinVar:

NM_002335.4(LRP5):c.1372del (p.Leu458fs)

Gene: LRP5 (LDL receptor related protein 5; plus strand). Cytogenetic location: 11q13.2.
Variant type: Deletion.
Coding change: c.1372del on transcript NM_002335.4 (MANE Select); coding-DNA position 1372, one base deleted (C; older notation c.1372delC).
Protein change: p.Leu458fs; shifts the reading frame from leucine 458.
Molecular consequence: frameshift variant. On other transcripts: 5 prime UTR variant (1).
Genome position (GRCh38, 1-based): chr11:68,386,672, C deleted; the last of 2 consecutive C bases (chr11:68,386,671-68,386,672); deleting either gives the same sequence. VCF-style (leftmost placement, unchanged base first): chr11-68386670-AC-A. GRCh37 (hg19) VCF-style: chr11-68154138-AC-A.
Other names: c.-394del (NM_001291902.2); short protein forms L458fs.
Identifiers: ClinVar variation 2751235 (VCV002751235.4), dbSNP rs2496600373, ClinGen allele CA2697548743.

ClinVar aggregate classification (germline): Pathogenic/Likely pathogenic. Review status: criteria provided, multiple submitters, no conflicts (2 of 4 stars). 2 submissions from 2 submitters: Pathogenic (1); Likely pathogenic (1). Last evaluated 2023-12-11.

Conditions:
Exudative vitreoretinopathy 4 (EVR4). Identifiers: Orphanet 891, MedGen C1866176, MONDO:0011151, OMIM 601813.
Exudative vitreoretinopathy 1 (EVR1). Also called: FEVR, AUTOSOMAL DOMINANT; Familial exudative vitreoretinopathy, autosomal dominant; CRISWICK-SCHEPENS SYNDROME. Identifiers: Orphanet 891, Orphanet 90050, MedGen C1851402, MONDO:0007589, OMIM 133780.
Polycystic liver disease 4 with or without kidney cysts. Identifiers: MedGen C4693479, MONDO:0044327, OMIM 617875.
Osteoporosis with pseudoglioma (OPPG). Also called: osteoporosis-pseudoglioma syndrome. Identifiers: Orphanet 2788, MedGen C0432252, MONDO:0009820, OMIM 259770.

Submissions (2):

Department of Pathology and Laboratory Medicine, Sinai Health System
Classification: Likely pathogenic for Osteoporosis with pseudoglioma; Exudative vitreoretinopathy 4; Exudative vitreoretinopathy 1; Polycystic liver disease 4 with or without kidney cysts. Last evaluated: 2023-12-11. Review status: criteria provided, single submitter. Criteria: ACMG Guidelines, 2015. Collection method: research. Allele origin: germline.

Labcorp Genetics (formerly Invitae), Labcorp
Classification: Pathogenic. Last evaluated: 2023-08-08. Review status: criteria provided, single submitter. Criteria: Invitae Variant Classification Sherloc (09022015). Collection method: clinical testing. Allele origin: germline.
Comment: This sequence change creates a premature translational stop signal (p.Leu458Trpfs*12) in the LRP5 gene. It is expected to result in an absent or disrupted protein product. Loss-of-function variants in LRP5 are known to be pathogenic (PMID: 11719191, 16252235, 25711638). For these reasons, this variant has been classified as Pathogenic. This variant has not been reported in the literature in individuals affected with LRP5-related conditions. This variant is not present in population databases (gnomAD no frequency).

Literature cited by the submitters: PubMed 11719191 (cited by Labcorp Genetics (formerly Invitae), Labcorp); PubMed 16252235 (cited by Labcorp Genetics (formerly Invitae), Labcorp); PubMed 25711638 (cited by Labcorp Genetics (formerly Invitae), Labcorp).